The following is an entry in ClinVar:

NM_024548.4(CEP97):c.2076G>T (p.Glu692Asp)

Gene: CEP97 (centrosomal protein 97; plus strand). Cytogenetic location: 3q12.3.
Variant type: single nucleotide variant.
Coding change: c.2076G>T on transcript NM_024548.4 (MANE Select); coding-DNA position 2076, G replaced by T.
Protein change: p.Glu692Asp; replaces glutamic acid 692 with aspartic acid.
Molecular consequence: missense variant.
Genome position (GRCh38, 1-based): chr3:101,765,029, G>T. VCF-style: chr3-101765029-G-T. GRCh37 (hg19) VCF-style: chr3-101483873-G-T.
Other names: c.1899G>T, p.Glu633Asp (NM_001303401.2); c.1974G>T, p.Glu658Asp (NM_001410784.1); c.1797G>T, p.Glu599Asp (NM_001410785.1); short protein forms E599D, E633D, E658D, E692D.
Identifiers: ClinVar variation 2769536 (VCV002769536.3), dbSNP rs1939273999, ClinGen allele CA353881302.

ClinVar aggregate classification (germline): Uncertain significance (1 of 4 stars; one submission).

Submission:

Labcorp Genetics (formerly Invitae), Labcorp
Classification: Uncertain significance. Last evaluated: 2023-10-17. Review status: criteria provided, single submitter. Criteria: Invitae Variant Classification Sherloc (09022015). Collection method: clinical testing. Allele origin: germline.
Comment: This sequence change replaces glutamic acid, which is acidic and polar, with aspartic acid, which is acidic and polar, at codon 692 of the CEP97 protein (p.Glu692Asp). This variant is not present in population databases (gnomAD no frequency). This variant has not been reported in the literature in individuals affected with CEP97-related conditions. Advanced modeling of protein sequence and biophysical properties (such as structural, functional, and spatial information, amino acid conservation, physicochemical variation, residue mobility, and thermodynamic stability) performed at Invitae indicates that this missense variant is not expected to disrupt CEP97 protein function. In summary, the available evidence is currently insufficient to determine the role of this variant in disease. Therefore, it has been classified as a Variant of Uncertain Significance.